The following is an entry in ClinVar:

NM_003242.6(TGFBR2):c.*2085T>A

Gene: TGFBR2 (transforming growth factor beta receptor 2; plus strand). Cytogenetic location: 3p24.1.
Variant type: single nucleotide variant.
Coding change: c.*2085T>A on transcript NM_003242.6 (MANE Select); 2085 bases downstream of the stop codon, T replaced by A.
Molecular consequence: 3 prime UTR variant.
Genome position (GRCh38, 1-based): chr3:30,693,684, T>A. VCF-style: chr3-30693684-T-A. GRCh37 (hg19) VCF-style: chr3-30735176-T-A.
Other names: c.*2085T>A (NM_001024847.3, NM_001407126.1, NM_001407127.1 and 11 more transcripts).
Identifiers: ClinVar variation 344713 (VCV000344713.8), dbSNP rs11466537, ClinGen allele CA10618062.

ClinVar aggregate classification (germline): Benign. Review status: criteria provided, multiple submitters, no conflicts (2 of 4 stars). 2 submissions from 2 submitters: Benign (2). Last evaluated 2021-05-17.

Conditions:
Loeys-Dietz syndrome 2 (LDS2). Also called: TGFBR2-Related Loeys-Dietz Syndrome; AORTIC ANEURYSM, FAMILIAL THORACIC 3; MARFAN SYNDROME, TYPE II; Marfan Syndrome type 2; Marfan like connective tissue disorder; MFS 2. Identifiers: Orphanet 284973, Orphanet 558, MedGen C2674574, MONDO:0012427, OMIM 610168.

Allele frequency attached by ClinVar (database versions not stated): gnomAD exomes 0.01280; gnomAD 0.04704 and 0.04867; TOPMed 0.05327; 1000 Genomes Project 0.06190; 1000 Genomes Project 30x 0.06730.
gnomAD v4.1: 8,173 of 233,552 alleles (3.5%); highest among the groups gnomAD compares: African/African-American, 15%; 532 homozygotes.

Submissions (2):

GeneDx
Classification: Benign. Last evaluated: 2021-05-17. Review status: criteria provided, single submitter. Criteria: GeneDx Variant Classification Process June 2021. Collection method: clinical testing. Allele origin: germline. Affected: yes.

Illumina Laboratory Services, Illumina
Classification: Benign for Loeys-Dietz syndrome 2. Last evaluated: 2018-01-13. Review status: criteria provided, single submitter. Criteria: ICSL Variant Classification Criteria 13 December 2019. Collection method: clinical testing. Allele origin: germline.
Comment: This variant was observed in the ICSL laboratory as part of a predisposition screen in an ostensibly healthy population. It had not been previously curated by ICSL or reported in the Human Gene Mutation Database (HGMD: prior to June 1st, 2018), and was therefore a candidate for classification through an automated scoring system. Utilizing variant allele frequency, disease prevalence and penetrance estimates, and inheritance mode, an automated score was calculated to assess if this variant is too frequent to cause the disease. Based on the score and internal cut-off values, a variant classified as benign is not then subjected to further curation. The score for this variant resulted in a classification of benign for this disease.